The following is an entry in ClinVar:

ClinVar aggregate classification (germline): Uncertain significance (1 of 4 stars; one submission).

Conditions:
SLCO1B3-related disorder. Also called: SLCO1B3-related condition.

gnomAD v4.1: 14 of 1,596,024 alleles (0.00088%); highest among the groups gnomAD compares: African/African-American, 0.017%; no homozygotes.

Submission:

PreventionGenetics, part of Exact Sciences
Classification: Uncertain significance for SLCO1B3-related condition. Last evaluated: 2025-05-07. Review status: criteria provided, single submitter. Criteria: ACMG Guidelines, 2015. Collection method: clinical testing. Allele origin: germline.
Comment: The SLCO1B3 c.290T>C variant is predicted to result in the amino acid substitution p.Ile97Thr. To our knowledge, this variant has not been reported in the literature. This variant is reported in 0.020% of alleles in individuals of African descent in gnomAD. At this time, the clinical significance of this variant is uncertain due to the absence of conclusive functional and genetic evidence.

NM_019844.4(SLCO1B3):c.290T>C (p.Ile97Thr)

Genes: SLCO1B3 (solute carrier organic anion transporter family member 1B3; plus strand), SLCO1B3-SLCO1B7 (SLCO1B3-SLCO1B7 readthrough; plus strand). Cytogenetic location: 12p12.2.
Variant type: single nucleotide variant.
Coding change: c.290T>C on transcript NM_019844.4 (MANE Select); coding-DNA position 290, T replaced by C.
Protein change: p.Ile97Thr; replaces isoleucine 97 with threonine.
Molecular consequence: missense variant.
Genome position (GRCh38, 1-based): chr12:20,858,502, T>C. VCF-style: chr12-20858502-T-C. GRCh37 (hg19) VCF-style: chr12-21011436-T-C.
Other names: c.290T>C, p.Ile97Thr (NM_001371097.1); c.206T>C, p.Ile69Thr (NM_001349920.2); short protein forms I69T, I97T.
Identifiers: ClinVar variation 4989203 (VCV004989203.1).